The following is an entry in ClinVar:

ClinVar aggregate classification (germline): Conflicting classifications of pathogenicity. Review status: criteria provided, conflicting classifications (1 of 4 stars). 2 submissions from 2 submitters: Likely pathogenic (1); Uncertain significance (1). Last evaluated 2025-04-07.

Conditions:
Charlevoix-Saguenay spastic ataxia (SACS). Also called: AUTOSOMAL RECESSIVE SPASTIC ATAXIA OF CHARLEVOIX-SAGUENAY; Spastic ataxia of Charlevoix-Saguenay; SPASTIC ATAXIA 6, AUTOSOMAL RECESSIVE. Identifiers: Orphanet 98, MedGen C1849140, MONDO:0010041, OMIM 270550.

gnomAD v4.1: 2 of 1,613,788 alleles (0.00012%); highest among the groups gnomAD compares: African/African-American, 0.0027%; no homozygotes.

Submissions (3):

Natera, Inc.
Classification: Likely pathogenic for Charlevoix-Saguenay type spastic ataxia. Last evaluated: 2025-04-07. Review status: criteria provided, single submitter. Criteria: Natera Variant Classification Schema (03/2026). Collection method: clinical testing. Allele origin: germline.
Comment: The c.10897T>G variant in SACS is a missense variant predicted to cause substitution of phenylalanine to valine at amino acid 3633. This variant is rare in the general population with a frequency below the threshold expected for the associated phenotype(s). This variant has been observed in one or more individuals affected with the associated recessive disease, as either homozygous or compound heterozygous with a second variant (PMID: 38977326). This variant has been identified in one or more affected individuals with a phenotype highly consistent with the associated gene (PMID: 38977326). Computational prediction algorithms indicate this variant is likely to affect gene or protein function. Given the available evidence, this variant is classified as Likely Pathogenic.

Kariminejad - Najmabadi Pathology & Genetics Center
Classification: Uncertain significance for Charlevoix-Saguenay spastic ataxia. Last evaluated: 2022-10-31. Review status: criteria provided, single submitter. Criteria: ACMG Guidelines, 2015. Collection method: clinical testing. Allele origin: germline. Inheritance: Autosomal recessive inheritance. Affected: yes.
Comment: PM2-PP3?

Dr. Peter K. Rogan Lab, Western University
No classification provided (evidence only). Condition: Colorectal cancer. Review status: no classification provided. Collection method: in vitro. Allele origin: not applicable. Functional consequence: retained intron. Not counted in ClinVar's aggregate classification.

Literature cited by the submitters: PubMed 38977326 (cited by Natera, Inc.).

NM_014363.6(SACS):c.10897T>G (p.Phe3633Val)

Gene: SACS (sacsin molecular chaperone; minus strand). Cytogenetic location: 13q12.12.
Variant type: single nucleotide variant.
Coding change: c.10897T>G on transcript NM_014363.6 (MANE Select); coding-DNA position 10897, T replaced by G.
Protein change: p.Phe3633Val; replaces phenylalanine 3633 with valine.
Molecular consequence: missense variant.
Genome position (GRCh38, 1-based): chr13:23,332,979, A>C on the plus strand (T>G on the coding strand, the complement: SACS is on the minus strand). VCF-style: chr13-23332979-A-C. GRCh37 (hg19) VCF-style: chr13-23907118-A-C.
Other names: NC_000013.10:g.23907118A>C; c.10897T>G (NM_014363.5); c.10456T>G, p.Phe3486Val (NM_001278055.2); short protein forms F3486V, F3633V.
Identifiers: ClinVar variation 3896975 (VCV003896975.4).